The following is an entry in ClinVar:

ClinVar aggregate classification (germline): Uncertain significance (1 of 4 stars; one submission).

Conditions:
Intellectual developmental disorder with speech delay, dysmorphic facies, and t-cell abnormalities. Also called: BCL11B-related BAFopathy. Identifiers: Orphanet 662829, MedGen C4748152, MONDO:0060763, OMIM 618092.

Submission:

3billion
Classification: Uncertain significance for Intellectual developmental disorder with speech delay, dysmorphic facies, and t-cell abnormalities. Last evaluated: 2025-01-07. Review status: criteria provided, single submitter. Criteria: ACMG Guidelines, 2015. Collection method: clinical testing. Allele origin: germline. Affected: yes.
Comment: The variant is not observed in the gnomAD v4.1.0 dataset. Predicted Consequence/Location: Intron variant In silico tools predict the variant to alter splicing and produce an abnormal transcript [SpliceAI: 0.84 (>=0.2, moderate evidence for spliceogenicity)]. Therefore, this variant is classified as VUS according to the recommendation of ACMG/AMP guideline.

NM_138576.4(BCL11B):c.58+2dup

Gene: BCL11B (BCL11 transcription factor B; minus strand). Cytogenetic location: 14q32.2.
Variant type: Duplication.
Coding change: c.58+2dup on transcript NM_138576.4 (MANE Select); the canonical splice donor site of the intron after coding-DNA position 58, one base duplicated (T; older notation c.58+2dupT).
Molecular consequence: splice donor variant.
Genome position (GRCh38, 1-based): chr14:99,271,159, A duplicated on the plus strand (T on the coding strand, the reverse complement: BCL11B is on the minus strand). VCF-style (leftmost placement, unchanged base first): chr14-99271158-T-TA. GRCh37 (hg19) VCF-style: chr14-99737495-T-TA.
Other names: c.58+2dup (NM_001282238.2, NM_001282237.2, NM_022898.3).
Identifiers: ClinVar variation 4293816 (VCV004293816.1).